The following is an entry in ClinVar:

NM_001128840.3(CACNA1D):c.2914A>T (p.Ile972Phe)

Gene: CACNA1D (calcium voltage-gated channel subunit alpha1 D; plus strand). Cytogenetic location: 3p21.1.
Variant type: single nucleotide variant.
Coding change: c.2914A>T on transcript NM_001128840.3 (MANE Select); coding-DNA position 2914, A replaced by T.
Protein change: p.Ile972Phe; replaces isoleucine 972 with phenylalanine.
Molecular consequence: missense variant.
Genome position (GRCh38, 1-based): chr3:53,743,113, A>T. VCF-style: chr3-53743113-A-T. GRCh37 (hg19) VCF-style: chr3-53777140-A-T.
Other names: c.2974A>T, p.Ile992Phe (NM_000720.4); c.2914A>T, p.Ile972Phe (NM_001128839.3); short protein forms I972F, I992F.
Identifiers: ClinVar variation 2973885 (VCV002973885.3), dbSNP rs1391281420, ClinGen allele CA353245341.

ClinVar aggregate classification (germline): Uncertain significance (1 of 4 stars; one submission).

Allele frequency attached by ClinVar (database versions not stated): gnomAD exomes below 0.00001; TOPMed below 0.00001.
gnomAD v4.1: 6 of 1,603,512 alleles (0.00037%); highest among the groups gnomAD compares: Admixed American, 0.005%; no homozygotes.

Submission:

Labcorp Genetics (formerly Invitae), Labcorp
Classification: Uncertain significance. Last evaluated: 2024-12-20. Review status: criteria provided, single submitter. Criteria: Invitae Variant Classification Sherloc (09022015). Collection method: clinical testing. Allele origin: germline.
Comment: This sequence change replaces isoleucine, which is neutral and non-polar, with phenylalanine, which is neutral and non-polar, at codon 992 of the CACNA1D protein (p.Ile992Phe). This variant is present in population databases (no rsID available, gnomAD 0.009%). This variant has not been reported in the literature in individuals affected with CACNA1D-related conditions. ClinVar contains an entry for this variant (Variation ID: 2973885). Invitae Evidence Modeling of protein sequence and biophysical properties (such as structural, functional, and spatial information, amino acid conservation, physicochemical variation, residue mobility, and thermodynamic stability) indicates that this missense variant is not expected to disrupt CACNA1D protein function with a negative predictive value of 80%. In summary, the available evidence is currently insufficient to determine the role of this variant in disease. Therefore, it has been classified as a Variant of Uncertain Significance.